The following is an entry in ClinVar:

ClinVar aggregate classification (germline): Conflicting classifications of pathogenicity. Review status: criteria provided, conflicting classifications (1 of 4 stars). 5 submissions from 5 submitters: Uncertain significance (1); Likely benign (3). 1 of the submissions does not count toward it. Last evaluated 2026-02-01.

Conditions:
GLIS3-related disorder. Also called: GLIS3-related condition.
Neonatal diabetes mellitus with congenital hypothyroidism. Also called: NDH SYNDROME. Identifiers: Orphanet 79118, MedGen C1857775, MONDO:0012436, OMIM 610199.

Allele frequency attached by ClinVar (database versions not stated): 1000 Genomes Project 0.00020; 1000 Genomes Project 30x 0.00031; gnomAD 0.00056 and 0.00059; TOPMed 0.00059; ESP Exome Variant Server 0.00069.
gnomAD v4.1: 1,158 of 1,614,058 alleles (0.072%); highest among the groups gnomAD compares: Non-Finnish European, 0.087%; 1 homozygote.

Submissions (5):

CeGaT Center for Human Genetics Tuebingen
Classification: Likely benign. Last evaluated: 2026-02-01. Review status: criteria provided, single submitter. Criteria: CeGaT Center For Human Genetics Tuebingen Variant Classification Criteria Version 2. Collection method: clinical testing. Allele origin: germline. Affected: yes. Observed: 1 variant allele.
Comment: GLIS3: BP4, BP7

Labcorp Genetics (formerly Invitae), Labcorp
Classification: Likely benign. Last evaluated: 2025-12-06. Review status: criteria provided, single submitter. Criteria: Invitae Variant Classification Sherloc (09022015). Collection method: clinical testing. Allele origin: germline.

Blueprint Genetics
Classification: Likely benign. Last evaluated: 2024-10-28. Review status: criteria provided, single submitter. Criteria: ACMG Guidelines, 2015. Collection method: clinical testing. Allele origin: germline.

Illumina Laboratory Services, Illumina
Classification: Uncertain significance for Neonatal diabetes mellitus with congenital hypothyroidism. Last evaluated: 2018-01-13. Review status: criteria provided, single submitter. Criteria: ICSL Variant Classification Criteria 13 December 2019. Collection method: clinical testing. Allele origin: germline.

PreventionGenetics, part of Exact Sciences
Classification: Likely benign for GLIS3-related condition. Last evaluated: 2020-01-03. Review status: no assertion criteria provided. Collection method: clinical testing. Allele origin: germline. Not counted in ClinVar's aggregate classification.
Comment: This variant is classified as likely benign based on ACMG/AMP sequence variant interpretation guidelines (Richards et al. 2015 PMID: 25741868, with internal and published modifications).

NM_001042413.2(GLIS3):c.1788G>A (p.Pro596=)

Gene: GLIS3 (GLIS family zinc finger 3; minus strand). Cytogenetic location: 9p24.2.
Variant type: single nucleotide variant.
Coding change: c.1788G>A on transcript NM_001042413.2 (MANE Select); coding-DNA position 1788, G replaced by A.
Protein change: p.Pro596=; no amino-acid change (proline 596 retained).
Molecular consequence: synonymous variant.
Genome position (GRCh38, 1-based): chr9:3,937,112, C>T on the plus strand (G>A on the coding strand, the complement: GLIS3 is on the minus strand). VCF-style: chr9-3937112-C-T. GRCh37 (hg19) VCF-style: chr9-3937112-C-T.
Other names: c.1323G>A, p.Pro441= (NM_152629.4).
Identifiers: ClinVar variation 912868 (VCV000912868.18), dbSNP rs150364458, ClinGen allele CA4968079.